The following is an entry in ClinVar:

ClinVar aggregate classification (germline): Conflicting classifications of pathogenicity. Review status: criteria provided, conflicting classifications (1 of 4 stars). 4 submissions from 4 submitters: Uncertain significance (1); Likely benign (2). 1 of the submissions does not count toward it. Last evaluated 2026-02-01.

Conditions:
Familial visceral amyloidosis, Ostertag type (AMYLD2). Also called: AMYLOIDOSIS VIII; Amyloidosis, hepatic and systemic; AMYLOIDOSIS, HEREDITARY SYSTEMIC 2; Hereditary Renal Amyloidosis; Ostertag type amyloidosis; Familial visceral amyloidosis. Identifiers: Orphanet 85450, MedGen C0268389, MONDO:0007099, OMIM 105200.
Inborn genetic diseases. Identifiers: MedGen C0950123, MeSH D030342.

Allele frequency attached by ClinVar (database versions not stated): gnomAD 0.00003; gnomAD exomes 0.00003; TOPMed 0.00003; ExAC 0.00004.
gnomAD v4.1: 44 of 1,613,968 alleles (0.0027%); highest among the groups gnomAD compares: Non-Finnish European, 0.0034%; no homozygotes.

Submissions (4):

Labcorp Genetics (formerly Invitae), Labcorp
Classification: Uncertain significance. Last evaluated: 2026-02-01. Review status: criteria provided, single submitter. Criteria: Invitae Variant Classification Sherloc (09022015). Collection method: clinical testing. Allele origin: germline.
Comment: This sequence change replaces alanine, which is neutral and non-polar, with glycine, which is neutral and non-polar, at codon 91 of the LYZ protein (p.Ala91Gly). This variant is present in population databases (rs776898103, gnomAD 0.007%). This variant has not been reported in the literature in individuals affected with LYZ-related conditions. ClinVar contains an entry for this variant (Variation ID: 883694). An algorithm developed to predict the effect of missense changes on protein structure and function (PolyPhen-2) suggests that this variant is likely to be tolerated. In summary, the available evidence is currently insufficient to determine the role of this variant in disease. Therefore, it has been classified as a Variant of Uncertain Significance.

Ambry Genetics
Classification: Likely benign for Inborn genetic diseases. Last evaluated: 2025-06-12. Review status: criteria provided, single submitter. Criteria: Ambry Variant Classification Scheme 2023. Collection method: clinical testing. Allele origin: germline.

Illumina Laboratory Services, Illumina
Classification: Likely benign for Familial visceral amyloidosis, Ostertag type. Last evaluated: 2018-01-13. Review status: criteria provided, single submitter. Criteria: ICSL Variant Classification Criteria 13 December 2019. Collection method: clinical testing. Allele origin: germline.
Comment: This variant was observed in the ICSL laboratory as part of a predisposition screen in an ostensibly healthy population. It had not been previously curated by ICSL or reported in the Human Gene Mutation Database (HGMD: prior to June 1st, 2018), and was therefore a candidate for classification through an automated scoring system. Utilizing variant allele frequency, disease prevalence and penetrance estimates, and inheritance mode, an automated score was calculated to assess if this variant is too frequent to cause the disease. Based on the score and internal cut-off values, a variant classified as likely benign is not then subjected to further curation. The score for this variant resulted in a classification of likely benign for this disease.

Department of Pathology and Laboratory Medicine, Sinai Health System
Classification: Uncertain significance. Review status: no assertion criteria provided. Collection method: clinical testing. Allele origin: unknown. Affected: yes. Study: The Canadian Open Genetics Repository (COGR). Not counted in ClinVar's aggregate classification.
Comment: The LYZ p.Ala91Gly variant was not identified in the literature nor was it identified in ClinVar, Cosmic or LOVD 3.0. The variant was identified in dbSNP (ID: rs776898103) and in control databases in 9 of 282810 chromosomes at a frequency of 0.000032 (Genome Aggregation Database Feb 27, 2017). The variant was observed in the following populations: Other in 1 of 7222 chromosomes (freq: 0.000139) and European (non-Finnish) in 8 of 129126 chromosomes (freq: 0.000062), while the variant was not observed in the African, Latino, Ashkenazi Jewish, East Asian, European (Finnish) or South Asian populations. The p.Ala91 residue is not conserved in mammals and computational analyses (PolyPhen-2, SIFT, AlignGVGD, BLOSUM, MutationTaster) do not suggest a high likelihood of impact to the protein; however, this information is not predictive enough to rule out pathogenicity. The variant occurs outside of the splicing consensus sequence and in silico or computational prediction software programs (SpliceSiteFinder, MaxEntScan, NNSPLICE, GeneSplicer) do not predict a difference in splicing. In summary, based on the above information the clinical significance of this variant cannot be determined with certainty at this time. This variant is classified as a variant of uncertain significance.

NM_000239.3(LYZ):c.272C>G (p.Ala91Gly)

Gene: LYZ (lysozyme; plus strand). Cytogenetic location: 12q15.
Variant type: single nucleotide variant.
Coding change: c.272C>G on transcript NM_000239.3 (MANE Select); coding-DNA position 272, C replaced by G.
Protein change: p.Ala91Gly; replaces alanine 91 with glycine.
Molecular consequence: missense variant.
Genome position (GRCh38, 1-based): chr12:69,350,243, C>G. VCF-style: chr12-69350243-C-G. GRCh37 (hg19) VCF-style: chr12-69744023-C-G.
Other names: short protein forms A91G.
Identifiers: ClinVar variation 883694 (VCV000883694.7), dbSNP rs776898103, ClinGen allele CA6679748.